The following is an entry in ClinVar:

ClinVar aggregate classification (germline): Likely benign. Review status: criteria provided, multiple submitters, no conflicts (2 of 4 stars). 3 submissions from 3 submitters: Likely benign (2). 1 of the submissions does not count toward it. Last evaluated 2026-01-16.

Conditions:
Autoimmune lymphoproliferative syndrome, type III caused by mutation in PRKCD. Identifiers: Orphanet 3261, Orphanet 664711, MedGen C3809928, MONDO:8000024, OMIM 615559.
PRKCD-related disorder. Also called: PRKCD-related condition.

Allele frequency attached by ClinVar (database versions not stated): gnomAD exomes 0.00004 and 0.00013; ExAC 0.00012; 1000 Genomes Project 0.00020; 1000 Genomes Project 30x 0.00031; ESP Exome Variant Server 0.00031; gnomAD 0.00044 and 0.00046; TOPMed 0.00045.
gnomAD v4.1: 126 of 1,614,174 alleles (0.0078%); highest among the groups gnomAD compares: African/African-American, 0.15%; no homozygotes.

Submissions (3):

Labcorp Genetics (formerly Invitae), Labcorp
Classification: Likely benign for Autoimmune lymphoproliferative syndrome, type III caused by mutation in PRKCD. Last evaluated: 2026-01-16. Review status: criteria provided, single submitter. Criteria: Invitae Variant Classification Sherloc (09022015). Collection method: clinical testing. Allele origin: germline.

Blueprint Genetics
Classification: Likely benign. Last evaluated: 2022-01-05. Review status: criteria provided, single submitter. Criteria: ACMG Guidelines, 2015. Collection method: clinical testing. Allele origin: germline.

PreventionGenetics, part of Exact Sciences
Classification: Likely benign for PRKCD-related condition. Last evaluated: 2019-12-16. Review status: no assertion criteria provided. Collection method: clinical testing. Allele origin: germline. Not counted in ClinVar's aggregate classification.
Comment: This variant is classified as likely benign based on ACMG/AMP sequence variant interpretation guidelines (Richards et al. 2015 PMID: 25741868, with internal and published modifications).

NM_006254.4(PRKCD):c.1500C>T (p.Phe500=)

Gene: PRKCD (protein kinase C delta; plus strand). Cytogenetic location: 3p21.1.
Variant type: single nucleotide variant.
Coding change: c.1500C>T on transcript NM_006254.4 (MANE Select); coding-DNA position 1500, C replaced by T.
Protein change: p.Phe500=; no amino-acid change (phenylalanine 500 retained).
Molecular consequence: synonymous variant.
Genome position (GRCh38, 1-based): chr3:53,188,804, C>T. VCF-style: chr3-53188804-C-T. GRCh37 (hg19) VCF-style: chr3-53222820-C-T.
Other names: c.1500C>T, p.Phe500= (NM_001316327.2, NM_001354679.2, NM_001354680.2 and 1 more transcripts); c.1557C>T, p.Phe519= (NM_001354676.2); c.1548C>T, p.Phe516= (NM_001354678.2).
Identifiers: ClinVar variation 726735 (VCV000726735.12), dbSNP rs149751382, ClinGen allele CA2452204.
Genomic context (GRCh38, chr3:53,188,804, plus strand): 5'-GCTGGACCGGGATGGCCACATCAAGATTGCCGACTTTGGGATGTGCAAAGAGAACATATT[C>T]GGGGAGAGCCGGGCCAGCACCTTCTGCGGCACCCCTGACTATATCGCCCCTGAGGTGAGC-3'
Protein context (NP_006245.2, residues 490-510): ADFGMCKENI[Phe500=]GESRASTFCG